The following is an entry in ClinVar:

ClinVar aggregate classification (germline): Uncertain significance (1 of 4 stars; one submission).

Conditions:
Cardiovascular phenotype. Identifiers: MedGen CN230736.

Allele frequency attached by ClinVar (database versions not stated): ExAC 0.00001; gnomAD 0.00001; TOPMed 0.00001; gnomAD exomes 0.00003.
gnomAD v4.1: 49 of 1,607,154 alleles (0.003%); highest among the groups gnomAD compares: Non-Finnish European, 0.004%; no homozygotes.

Submission:

Ambry Genetics
Classification: Uncertain significance for Cardiovascular phenotype. Last evaluated: 2023-11-10. Review status: criteria provided, single submitter. Criteria: Ambry Variant Classification Scheme 2023. Collection method: clinical testing. Allele origin: germline.
Comment: The p.L549V variant (also known as c.1645C>G), located in coding exon 11 of the LMF1 gene, results from a C to G substitution at nucleotide position 1645. The leucine at codon 549 is replaced by valine, an amino acid with highly similar properties. This amino acid position is conserved. In addition, this alteration is predicted to be tolerated by in silico analysis. Since supporting evidence is limited at this time, the clinical significance of this alteration remains unclear.

NM_022773.4(LMF1):c.1645C>G (p.Leu549Val)

Gene: LMF1 (lipase maturation factor 1; minus strand). Cytogenetic location: 16p13.3.
Variant type: single nucleotide variant.
Coding change: c.1645C>G on transcript NM_022773.4 (MANE Select); coding-DNA position 1645, C replaced by G.
Protein change: p.Leu549Val; replaces leucine 549 with valine.
Molecular consequence: missense variant. On other transcripts: non-coding transcript variant (1).
Genome position (GRCh38, 1-based): chr16:854,591, G>C on the plus strand (C>G on the coding strand, the complement: LMF1 is on the minus strand). VCF-style: chr16-854591-G-C. GRCh37 (hg19) VCF-style: chr16-904591-G-C.
Other names: c.994C>G, p.Leu332Val (NM_001352017.2, NM_001352021.2); c.1246C>G, p.Leu416Val (NM_001352018.2); c.1318C>G, p.Leu440Val (NM_001352019.2); c.1565C>G, p.Pro522Arg (NM_001352020.1); short protein forms L440V, P522R, L416V, L549V, L332V.
Identifiers: ClinVar variation 1777134 (VCV001777134.2), dbSNP rs767415527, ClinGen allele CA7796852.